The following is an entry in ClinVar:

NM_013382.7(POMT2):c.556T>G (p.Cys186Gly)

Gene: POMT2 (protein O-mannosyltransferase 2; minus strand). Cytogenetic location: 14q24.3.
Variant type: single nucleotide variant.
Coding change: c.556T>G on transcript NM_013382.7 (MANE Select); coding-DNA position 556, T replaced by G.
Protein change: p.Cys186Gly; replaces cysteine 186 with glycine.
Molecular consequence: missense variant.
Genome position (GRCh38, 1-based): chr14:77,302,935, A>C on the plus strand (T>G on the coding strand, the complement: POMT2 is on the minus strand). VCF-style: chr14-77302935-A-C. GRCh37 (hg19) VCF-style: chr14-77769278-A-C.
Other names: short protein forms C186G.
Identifiers: ClinVar variation 3758629 (VCV003758629.2).

ClinVar aggregate classification (germline): Uncertain significance (1 of 4 stars; one submission).

Conditions:
Muscular dystrophy-dystroglycanopathy (congenital with brain and eye anomalies), type A2. Also called: MUSCULAR DYSTROPHY-DYSTROGLYCANOPATHY (CONGENITAL WITH BRAIN AND EYE ANOMALIES), TYPE A, 2; WALKER-WARBURG SYNDROME OR MUSCLE-EYE-BRAIN DISEASE, POMT2-RELATED. Identifiers: Orphanet 588, Orphanet 899, MedGen C3150411, MONDO:0013154, OMIM 613150.
Autosomal recessive limb-girdle muscular dystrophy type 2N. Also called: MUSCULAR DYSTROPHY-DYSTROGLYCANOPATHY, LIMB-GIRDLE, POMT2-RELATED; Muscular dystrophy-dystroglycanopathy (limb-girdle), type C, 2. Identifiers: Orphanet 206559, MedGen C3150418, MONDO:0013162, OMIM 613158.
Muscular dystrophy-dystroglycanopathy (congenital with impaired intellectual development), type B, 2. Also called: MUSCULAR DYSTROPHY, CONGENITAL, POMT2-RELATED; Muscular dystrophy-dystroglycanopathy (congenital with intellectual disability), type B2. Identifiers: MedGen C3150416, MONDO:0013160, OMIM 613156.

Submission:

Labcorp Genetics (formerly Invitae), Labcorp
Classification: Uncertain significance for Muscular dystrophy-dystroglycanopathy (congenital with impaired intellectual development), type B, 2; Muscular dystrophy-dystroglycanopathy (congenital with brain and eye anomalies), type A2; Autosomal recessive limb-girdle muscular dystrophy type 2N. Last evaluated: 2025-11-10. Review status: criteria provided, single submitter. Criteria: Invitae Variant Classification Sherloc (09022015). Collection method: clinical testing. Allele origin: germline.
Comment: This sequence change replaces cysteine, which is neutral and slightly polar, with glycine, which is neutral and non-polar, at codon 186 of the POMT2 protein (p.Cys186Gly). This variant is not present in population databases (gnomAD no frequency). This variant has not been reported in the literature in individuals affected with POMT2-related conditions. ClinVar contains an entry for this variant (Variation ID: 3758629). Invitae Evidence Modeling of protein sequence and biophysical properties (such as structural, functional, and spatial information, amino acid conservation, physicochemical variation, residue mobility, and thermodynamic stability) has been performed for this missense variant. However, the output from this modeling did not meet the statistical confidence thresholds required to predict the impact of this variant on POMT2 protein function. In summary, the available evidence is currently insufficient to determine the role of this variant in disease. Therefore, it has been classified as a Variant of Uncertain Significance.